The following is an entry in ClinVar:

ClinVar aggregate classification (germline): Uncertain significance (1 of 4 stars; one submission).

gnomAD v4.1: 1 of 1,611,758 alleles (0.000062%); highest among the groups gnomAD compares: Admixed American, 0.0017%; no homozygotes.

Submission:

Labcorp Genetics (formerly Invitae), Labcorp
Classification: Uncertain significance. Last evaluated: 2021-02-16. Review status: criteria provided, single submitter. Criteria: Invitae Variant Classification Sherloc (09022015). Collection method: clinical testing. Allele origin: germline.
Comment: This sequence change replaces arginine with leucine at codon 497 of the GUCY2C protein (p.Arg497Leu). The arginine residue is moderately conserved and there is a moderate physicochemical difference between arginine and leucine. This variant is present in population databases (rs376325095, ExAC 0.009%). This variant has not been reported in the literature in individuals with GUCY2C-related conditions. Algorithms developed to predict the effect of missense changes on protein structure and function are either unavailable or do not agree on the potential impact of this missense change (SIFT: "Deleterious"; PolyPhen-2: "Probably Damaging"; Align-GVGD: "Class C0"). In summary, the available evidence is currently insufficient to determine the role of this variant in disease. Therefore, it has been classified as a Variant of Uncertain Significance.

NM_004963.4(GUCY2C):c.1490G>T (p.Arg497Leu)

Gene: GUCY2C (guanylate cyclase 2C; minus strand). Cytogenetic location: 12p12.3.
Variant type: single nucleotide variant.
Coding change: c.1490G>T on transcript NM_004963.4 (MANE Select); coding-DNA position 1490, G replaced by T.
Protein change: p.Arg497Leu; replaces arginine 497 with leucine.
Molecular consequence: missense variant.
Genome position (GRCh38, 1-based): chr12:14,652,995, C>A on the plus strand (G>T on the coding strand, the complement: GUCY2C is on the minus strand). VCF-style: chr12-14652995-C-A. GRCh37 (hg19) VCF-style: chr12-14805929-C-A.
Other names: short protein forms R497L.
Identifiers: ClinVar variation 1358899 (VCV001358899.8), dbSNP rs376325095, ClinGen allele CA6463395.